The following is an entry in ClinVar:

NM_001009944.3(PKD1):c.10692C>T (p.Leu3564=)

Genes: PKD1 (polycystin 1, transient receptor potential channel interacting; minus strand), PKD1-AS1 (PKD1 antisense RNA 1; plus strand). Cytogenetic location: 16p13.3.
Variant type: single nucleotide variant.
Coding change: c.10692C>T on transcript NM_001009944.3 (MANE Select); coding-DNA position 10692, C replaced by T.
Protein change: p.Leu3564=; no amino-acid change (leucine 3564 retained).
Molecular consequence: synonymous variant.
Genome position (GRCh38, 1-based): chr16:2,093,940, G>A on the plus strand (C>T on the coding strand, the complement: PKD1 is on the minus strand). VCF-style: chr16-2093940-G-A. GRCh37 (hg19) VCF-style: chr16-2143941-G-A.
Other names: p.Leu3564=; c.10689C>T, p.Leu3563= (NM_000296.4).
Identifiers: ClinVar variation 3046721 (VCV003046721.3), dbSNP rs144614222, ClinGen allele CA7829456.

ClinVar aggregate classification (germline): Likely benign. Review status: criteria provided, single submitter (1 of 4 stars). 2 submissions from 2 submitters: Likely benign (1). 1 of the submissions does not count toward it. Last evaluated 2025-04-22.

Conditions:
PKD1-related disorder. Also called: PKD1-related condition.

Allele frequency attached by ClinVar (database versions not stated): ESP Exome Variant Server 0.00039.
gnomAD v4.1: 36 of 1,585,622 alleles (0.0023%); highest among the groups gnomAD compares: Non-Finnish European, 0.0029%; no homozygotes.

Submissions (2):

Mayo Clinic Laboratories, Mayo Clinic
Classification: Likely benign. Last evaluated: 2025-04-22. Review status: criteria provided, single submitter. Criteria: ACMG Guidelines, 2015. Collection method: clinical testing. Allele origin: germline. Observed: 1 variant allele.
Comment: BP4, BP7

PreventionGenetics, part of Exact Sciences
Classification: Likely benign for PKD1-related condition. Last evaluated: 2019-02-28. Review status: no assertion criteria provided. Collection method: clinical testing. Allele origin: germline. Not counted in ClinVar's aggregate classification.
Comment: This variant is classified as likely benign based on ACMG/AMP sequence variant interpretation guidelines (Richards et al. 2015 PMID: 25741868, with internal and published modifications).